The following is an entry in ClinVar:

NM_000257.4(MYH7):c.2843C>T (p.Ser948Leu)

Gene: MYH7 (myosin heavy chain 7; minus strand). Cytogenetic location: 14q11.2.
Variant type: single nucleotide variant.
Coding change: c.2843C>T on transcript NM_000257.4 (MANE Select); coding-DNA position 2843, C replaced by T.
Protein change: p.Ser948Leu; replaces serine 948 with leucine.
Molecular consequence: missense variant.
Genome position (GRCh38, 1-based): chr14:23,423,986, G>A on the plus strand (C>T on the coding strand, the complement: MYH7 is on the minus strand). VCF-style: chr14-23423986-G-A. GRCh37 (hg19) VCF-style: chr14-23893195-G-A.
Other names: short protein forms S948L.
Identifiers: ClinVar variation 1481864 (VCV001481864.9), dbSNP rs1350140484, ClinGen allele CA389046849.

ClinVar aggregate classification (germline): Uncertain significance. Review status: criteria provided, multiple submitters, no conflicts (2 of 4 stars). 2 submissions from 2 submitters: Uncertain significance (2). Last evaluated 2022-02-12.

Conditions:
Hypertrophic cardiomyopathy 1 (CMH1). Also called: Familial hypertrophic cardiomyopathy 1; MYH7-Related Familial Hypertrophic Cardiomyopathy. Identifiers: MedGen C3495498, MONDO:0008647, OMIM 192600.
Myopathy, myosin storage, autosomal recessive (CMYO7B). Also called: CONGENITAL MYOPATHY 7B, MYOSIN STORAGE, AUTOSOMAL RECESSIVE. Identifiers: Orphanet 636970, MedGen C1850709, MONDO:0009708, OMIM 255160.
MYH7-related skeletal myopathy. Also called: Laing distal myopathy; Myopathy, distal, 1; Laing early-onset distal myopathy; MYOPATHY, DISTAL, EARLY-ONSET, AUTOSOMAL DOMINANT; MYOPATHY, LATE DISTAL HEREDITARY. Identifiers: Orphanet 59135, MedGen C4552004, MONDO:0008050, OMIM 160500.
Dilated cardiomyopathy 1S (CMD1S). Identifiers: Orphanet 154, Orphanet 54260, MedGen C1834481, MONDO:0013262, OMIM 613426.
Congenital myopathy with fiber type disproportion. Also called: Congenital fiber-type disproportion; Congenital fiber-type disproportion myopathy. Identifiers: Orphanet 2020, MedGen C0546264, MONDO:0009711. Inheritance: all.
Myosin storage myopathy (CMYO7A). Also called: SCAPULOPERONEAL MUSCULAR DYSTROPHY; SCAPULOPERONEAL SYNDROME, MYOPATHIC TYPE; MYOPATHY WITH LYSIS OF TYPE I MYOFIBRILS; MYOPATHY, HYALINE BODY, AUTOSOMAL DOMINANT; Scapuloperoneal myopathy, MYH7-related; MYH7-related late-onset scapuloperoneal muscular dystrophy. Identifiers: Orphanet 437572, Orphanet 636965, MedGen C1842160, MONDO:0008409, OMIM 608358.
Hypertrophic cardiomyopathy. Also called: HYPERTROPHIC MYOCARDIOPATHY. Identifiers: Orphanet 217569, MedGen C0007194, MeSH D002312, MONDO:0005045, HP:0001639.

Allele frequency attached by ClinVar (database versions not stated): gnomAD exomes below 0.00001.
gnomAD v4.1: 4 of 1,614,198 alleles (0.00025%); highest among the groups gnomAD compares: South Asian, 0.0033%; no homozygotes.

Submissions (2):

Fulgent Genetics
Classification: Uncertain significance for MYH7-related skeletal myopathy; Myosin storage myopathy; Hypertrophic cardiomyopathy 1; Myopathy, myosin storage, autosomal recessive; Congenital myopathy 4A, autosomal dominant; Dilated cardiomyopathy 1S. Last evaluated: 2022-02-12. Review status: criteria provided, single submitter. Criteria: ACMG Guidelines, 2015. Collection method: clinical testing. Allele origin: unknown.

Labcorp Genetics (formerly Invitae), Labcorp
Classification: Uncertain significance for Hypertrophic cardiomyopathy. Last evaluated: 2021-02-18. Review status: criteria provided, single submitter. Criteria: Invitae Variant Classification Sherloc (09022015). Collection method: clinical testing. Allele origin: germline.
Comment: In summary, the available evidence is currently insufficient to determine the role of this variant in disease. Therefore, it has been classified as a Variant of Uncertain Significance. Algorithms developed to predict the effect of missense changes on protein structure and function are either unavailable or do not agree on the potential impact of this missense change (SIFT: "Deleterious"; PolyPhen-2: "Benign"; Align-GVGD: "Class C65"). This variant has not been reported in the literature in individuals with MYH7-related conditions. This variant is not present in population databases (ExAC no frequency). This sequence change replaces serine with leucine at codon 948 of the MYH7 protein (p.Ser948Leu). The serine residue is highly conserved and there is a large physicochemical difference between serine and leucine.